The following is an entry in ClinVar:

ClinVar aggregate classification (germline): Uncertain significance (1 of 4 stars; one submission).

Submission:

Labcorp Genetics (formerly Invitae), Labcorp
Classification: Uncertain significance. Last evaluated: 2021-08-04. Review status: criteria provided, single submitter. Criteria: Invitae Variant Classification Sherloc (09022015). Collection method: clinical testing. Allele origin: germline.
Comment: This variant results in a copy number gain of the genomic region encompassing exon(s) 5-9 of the RETREG1 gene. The 5' boundary is likely confined to intron 4. The 3' end of this event is unknown as it extends beyond the assayed region for this gene and therefore may encompass additional genes. As the precise location of this event is unknown, it may be in tandem or it may be located elsewhere in the genome. This variant has not been reported in the literature in individuals affected with RETREG1-related conditions. In summary, the available evidence is currently insufficient to determine the role of this variant in disease. Therefore, it has been classified as a Variant of Uncertain Significance.

NC_000005.9:g.(?_16474830)_(16481222_?)dup

Gene: RETREG1 (reticulophagy regulator 1; minus strand). Cytogenetic location: 5p15.1.
Variant type: Duplication.
Identifiers: ClinVar variation 1007014 (VCV001007014.6).